The following is an entry in ClinVar:

ClinVar aggregate classification (germline): Conflicting classifications of pathogenicity. Review status: criteria provided, conflicting classifications (1 of 4 stars). 2 submissions from 2 submitters: Uncertain significance (1); Likely benign (1). Last evaluated 2025-06-05.

Conditions:
Hereditary cancer-predisposing syndrome. Also called: Neoplastic Syndromes, Hereditary; Hereditary neoplastic syndrome; Tumor predisposition; Hereditary Cancer Syndrome. Identifiers: Orphanet 140162, MedGen C0027672, MeSH D009386, MONDO:0015356.
Birt-Hogg-Dube syndrome. Also called: Birt Hogg Dubé syndrome. Identifiers: Orphanet 122, MedGen C0346010, MONDO:0800444.

gnomAD v4.1: 11 of 1,614,088 alleles (0.00068%); highest among the groups gnomAD compares: Non-Finnish European, 0.00085%; no homozygotes.

Submissions (2):

Labcorp Genetics (formerly Invitae), Labcorp
Classification: Uncertain significance for Birt-Hogg-Dube syndrome. Last evaluated: 2025-06-05. Review status: criteria provided, single submitter. Criteria: Invitae Variant Classification Sherloc (09022015). Collection method: clinical testing. Allele origin: germline.
Comment: This sequence change replaces alanine, which is neutral and non-polar, with threonine, which is neutral and polar, at codon 443 of the FLCN protein (p.Ala443Thr). This variant is present in population databases (rs535236784, gnomAD 0.002%). This variant has not been reported in the literature in individuals affected with FLCN-related conditions. ClinVar contains an entry for this variant (Variation ID: 664384). Invitae Evidence Modeling of protein sequence and biophysical properties (such as structural, functional, and spatial information, amino acid conservation, physicochemical variation, residue mobility, and thermodynamic stability) indicates that this missense variant is not expected to disrupt FLCN protein function with a negative predictive value of 80%. In summary, the available evidence is currently insufficient to determine the role of this variant in disease. Therefore, it has been classified as a Variant of Uncertain Significance.

Ambry Genetics
Classification: Likely benign for Hereditary cancer-predisposing syndrome. Last evaluated: 2020-11-23. Review status: criteria provided, single submitter. Criteria: Ambry Variant Classification Scheme 2023. Collection method: clinical testing. Allele origin: germline.

NM_144997.7(FLCN):c.1327G>A (p.Ala443Thr)

Gene: FLCN (folliculin; minus strand). Cytogenetic location: 17p11.2.
Variant type: single nucleotide variant.
Coding change: c.1327G>A on transcript NM_144997.7 (MANE Select); coding-DNA position 1327, G replaced by A.
Protein change: p.Ala443Thr; replaces alanine 443 with threonine.
Molecular consequence: missense variant.
Genome position (GRCh38, 1-based): chr17:17,215,290, C>T on the plus strand (G>A on the coding strand, the complement: FLCN is on the minus strand). VCF-style: chr17-17215290-C-T. GRCh37 (hg19) VCF-style: chr17-17118604-C-T.
Other names: c.1327G>A (LRG_325t1); c.1381G>A, p.Ala461Thr (NM_001353229.2); c.1327G>A, p.Ala443Thr (NM_001353230.2, NM_001353231.2); short protein forms A461T, A443T.
Identifiers: ClinVar variation 664384 (VCV000664384.10), dbSNP rs535236784, ClinGen allele CA288305794.
Genomic context (GRCh38, chr17:17,215,290, plus strand): 5'-ACTTGCTGAGAGACTGGTCATCCTCACACCCCACAGGGTGGAGGGTGGAACGTGCGGCTG[C>T]GTGGACCTCCACGATGACAGCAAACTCTGTAACAACACAAGGCCCGTGGCTCCTCATCTC-3'
Protein context (NP_659434.2, residues 433-453): SEFAVIVEVH[Ala443Thr]AARSTLHPVG